The following is an entry in ClinVar:

NM_000135.4(FANCA):c.752C>T (p.Ser251Leu)

Gene: FANCA (FA complementation group A; minus strand). Cytogenetic location: 16q24.3.
Variant type: single nucleotide variant.
Coding change: c.752C>T on transcript NM_000135.4 (MANE Select); coding-DNA position 752, C replaced by T.
Protein change: p.Ser251Leu; replaces serine 251 with leucine.
Molecular consequence: missense variant.
Genome position (GRCh38, 1-based): chr16:89,803,299, G>A on the plus strand (C>T on the coding strand, the complement: FANCA is on the minus strand). VCF-style: chr16-89803299-G-A. GRCh37 (hg19) VCF-style: chr16-89869707-G-A.
Other names: c.752C>T, p.Ser251Leu (NM_001018112.3, NM_001286167.3); c.656C>T, p.Ser219Leu (NM_001351830.2); c.752C>T (LRG_495t1); short protein forms S251L, S219L.
Identifiers: ClinVar variation 237057 (VCV000237057.5), dbSNP rs878853666, ClinGen allele CA10583442.
Genomic context (GRCh38, chr16:89,803,299, plus strand): 5'-CACTTGACTTTTCCTCCTACCTGCGGCATTTTTTCAGGCTCCACAGTTCTTCTCAGATCT[G>A]AGTTTTTCTGAAATCCCCTCAAAACAAACATTTGAACAAAATCTGAAAAACCATAAAACC-3'
Protein context (NP_000126.2, residues 241-261): MFVLRGFQKN[Ser251Leu]DLRRTVEPEK

ClinVar aggregate classification (germline): Uncertain significance. Review status: criteria provided, single submitter (1 of 4 stars). 3 submissions from 3 submitters: Uncertain significance (1). 2 of the submissions do not count toward it. Last evaluated 2021-10-05.

Conditions:
Fanconi anemia (FA). Also called: Fanconi's anemia. Identifiers: Orphanet 84, MedGen C0015625, MeSH D005199, MONDO:0019391.
Fanconi anemia complementation group A (FANCA). Also called: FANCA-Related Fanconi Anemia; Fanconi anemia, group A. Identifiers: Orphanet 84, MedGen C3469521, MONDO:0009215, OMIM 227650.

Allele frequency attached by ClinVar (database versions not stated): gnomAD exomes below 0.00001.
gnomAD v4.1: 2 of 1,614,110 alleles (0.00012%); highest among the groups gnomAD compares: East Asian, 0.0022%; no homozygotes.

Submissions (3):

Labcorp Genetics (formerly Invitae), Labcorp
Classification: Uncertain significance for Fanconi anemia. Last evaluated: 2021-10-05. Review status: criteria provided, single submitter. Criteria: Invitae Variant Classification Sherloc (09022015). Collection method: clinical testing. Allele origin: germline.
Comment: This sequence change replaces serine with leucine at codon 251 of the FANCA protein (p.Ser251Leu). The serine residue is moderately conserved and there is a large physicochemical difference between serine and leucine. This variant is not present in population databases (ExAC no frequency). This variant has not been reported in the literature in individuals affected with FANCA-related conditions. Algorithms developed to predict the effect of missense changes on protein structure and function output the following: SIFT: "Deleterious"; PolyPhen-2: "Benign"; Align-GVGD: "Class C0". The leucine amino acid residue is found in multiple mammalian species, which suggests that this missense change does not adversely affect protein function. In summary, the available evidence is currently insufficient to determine the role of this variant in disease. Therefore, it has been classified as a Variant of Uncertain Significance.

Natera, Inc.
Classification: Uncertain significance for Fanconi anemia, group A. Last evaluated: 2020-09-16. Review status: no assertion criteria provided. Collection method: clinical testing. Allele origin: germline. Not counted in ClinVar's aggregate classification.

Counsyl
Classification: Uncertain significance for Fanconi anemia complementation group A. Last evaluated: 2018-04-17. Review status: no assertion criteria provided. Collection method: clinical testing. Allele origin: unknown. Not counted in ClinVar's aggregate classification.